The following is an entry in ClinVar:

NM_001177316.2(SLC34A3):c.925+40A>C

Gene: SLC34A3 (solute carrier family 34 member 3; plus strand). Cytogenetic location: 9q34.3.
Variant type: single nucleotide variant.
Coding change: c.925+40A>C on transcript NM_001177316.2 (MANE Select); 40 bases into the intron after coding-DNA position 925, A replaced by C.
Molecular consequence: intron variant.
Genome position (GRCh38, 1-based): chr9:137,233,981, A>C. VCF-style: chr9-137233981-A-C. GRCh37 (hg19) VCF-style: chr9-140128433-A-C.
Other names: c.925+40A>C (NM_001177317.2, NM_080877.3).
Identifiers: ClinVar variation 3055658 (VCV003055658.2), dbSNP rs1318926224, ClinGen allele CA591373931.

ClinVar aggregate classification (germline): Likely benign (0 of 4 stars; one submission).

Conditions:
SLC34A3-related disorder. Also called: SLC34A3-related condition.

Allele frequency attached by ClinVar (database versions not stated): 1000 Genomes Project 30x 0.00718.

Submission:

PreventionGenetics, part of Exact Sciences
Classification: Likely benign for SLC34A3-related condition. Last evaluated: 2021-04-22. Review status: no assertion criteria provided. Collection method: clinical testing. Allele origin: germline.
Comment: This variant is classified as likely benign based on ACMG/AMP sequence variant interpretation guidelines (Richards et al. 2015 PMID: 25741868, with internal and published modifications).